The following is an entry in ClinVar:

ClinVar aggregate classification (germline): Uncertain significance (1 of 4 stars; one submission).

Submission:

Labcorp Genetics (formerly Invitae), Labcorp
Classification: Uncertain significance. Last evaluated: 2023-12-18. Review status: criteria provided, single submitter. Criteria: Invitae Variant Classification Sherloc (09022015). Collection method: clinical testing. Allele origin: germline.
Comment: This sequence change replaces methionine, which is neutral and non-polar, with threonine, which is neutral and polar, at codon 58 of the TRAF3IP1 protein (p.Met58Thr). This variant is not present in population databases (gnomAD no frequency). This variant has not been reported in the literature in individuals affected with TRAF3IP1-related conditions. ClinVar contains an entry for this variant (Variation ID: 1416206). Advanced modeling of protein sequence and biophysical properties (such as structural, functional, and spatial information, amino acid conservation, physicochemical variation, residue mobility, and thermodynamic stability) performed at Invitae indicates that this missense variant is expected to disrupt TRAF3IP1 protein function with a positive predictive value of 80%. In summary, the available evidence is currently insufficient to determine the role of this variant in disease. Therefore, it has been classified as a Variant of Uncertain Significance.

NM_015650.4(TRAF3IP1):c.173T>C (p.Met58Thr)

Gene: TRAF3IP1 (TRAF3 interacting protein 1; plus strand). Cytogenetic location: 2q37.3.
Variant type: single nucleotide variant.
Coding change: c.173T>C on transcript NM_015650.4 (MANE Select); coding-DNA position 173, T replaced by C.
Protein change: p.Met58Thr; replaces methionine 58 with threonine.
Molecular consequence: missense variant.
Genome position (GRCh38, 1-based): chr2:238,325,355, T>C. VCF-style: chr2-238325355-T-C. GRCh37 (hg19) VCF-style: chr2-239233996-T-C.
Other names: c.173T>C, p.Met58Thr (NM_001139490.1); short protein forms M58T.
Identifiers: ClinVar variation 1416206 (VCV001416206.8), dbSNP rs2106358575, ClinGen allele CA351241369.